The following is an entry in ClinVar:

NM_002769.5(PRSS1):c.52T>C (p.Phe18Leu)

Genes: TRB (T cell receptor beta locus; plus strand), PRSS1 (serine protease 1; plus strand). Cytogenetic location: 7q34.
Variant type: single nucleotide variant.
Coding change: c.52T>C on transcript NM_002769.5 (MANE Select); coding-DNA position 52, T replaced by C.
Protein change: p.Phe18Leu; replaces phenylalanine 18 with leucine.
Molecular consequence: missense variant. On other transcripts: non-coding transcript variant (2).
Genome position (GRCh38, 1-based): chr7:142,750,566, T>C. VCF-style: chr7-142750566-T-C. GRCh37 (hg19) VCF-style: chr7-142458417-T-C.
Other names: short protein forms F18L.
Identifiers: ClinVar variation 1746698 (VCV001746698.2), dbSNP rs2485731992, ClinGen allele CA369607037.

ClinVar aggregate classification (germline): Uncertain significance (1 of 4 stars; one submission).

Conditions:
Hereditary pancreatitis (PCTT). Also called: Hereditary chronic pancreatitis; PRSS1-Related Hereditary Pancreatitis. Identifiers: Orphanet 676, MedGen C0238339, MONDO:0008185, OMIM 167800.

Submission:

Ambry Genetics
Classification: Uncertain significance for Hereditary pancreatitis. Last evaluated: 2016-09-15. Review status: criteria provided, single submitter. Criteria: Ambry Variant Classification Scheme 2023. Collection method: clinical testing. Allele origin: germline.
Comment: The p.F18L variant (also known as c.52T>C), located in coding exon 2 of the PRSS1 gene, results from a T to C substitution at nucleotide position 52. The phenylalanine at codon 18 is replaced by leucine, an amino acid with highly similar properties. This variant was not reported in population based cohorts in the following databases: Database of Single Nucleotide Polymorphisms (dbSNP), NHLBI Exome Sequencing Project (ESP), and 1000 Genomes Project. In the ESP, this variant was not observed in 6503 samples (13006 alleles) with coverage at this position. This amino acid position is poorly conserved in available vertebrate species. In addition, this alteration is predicted to be benign and tolerated by PolyPhen and SIFT in silico analyses, respectively. Since supporting evidence is limited at this time, the clinical significance of this alteration remains unclear.